The following is an entry in ClinVar:

NM_000170.3(GLDC):c.2815G>A (p.Asp939Asn)

Gene: GLDC (glycine decarboxylase; minus strand). Cytogenetic location: 9p24.1.
Variant type: single nucleotide variant.
Coding change: c.2815G>A on transcript NM_000170.3 (MANE Select); coding-DNA position 2815, G replaced by A.
Protein change: p.Asp939Asn; replaces aspartic acid 939 with asparagine.
Molecular consequence: missense variant.
Genome position (GRCh38, 1-based): chr9:6,536,087, C>T on the plus strand (G>A on the coding strand, the complement: GLDC is on the minus strand). VCF-style: chr9-6536087-C-T. GRCh37 (hg19) VCF-style: chr9-6536087-C-T.
Other names: short protein forms D939N.
Identifiers: ClinVar variation 2185015 (VCV002185015.2), dbSNP rs767772993, ClinGen allele CA4980065.

ClinVar aggregate classification (germline): Uncertain significance. Review status: criteria provided, multiple submitters, no conflicts (2 of 4 stars). 2 submissions from 2 submitters: Uncertain significance (2). Last evaluated 2026-04-28.

Conditions:
GLDC-related disorder. Also called: GLDC-related condition.
Glycine encephalopathy. Also called: Nonketotic hyperglycinemia; Non-ketotic hyperglycinemia. Identifiers: Orphanet 407, MedGen C0751748, MONDO:0011612, HP:0008288.

Allele frequency attached by ClinVar (database versions not stated): ExAC 0.00001; gnomAD 0.00002.
gnomAD v4.1: 48 of 1,613,700 alleles (0.003%); highest among the groups gnomAD compares: East Asian, 0.0089%; no homozygotes.

Submissions (2):

PreventionGenetics, part of Exact Sciences
Classification: Uncertain significance for GLDC-related condition. Last evaluated: 2026-04-28. Review status: criteria provided, single submitter. Criteria: ACMG Guidelines, 2015. Collection method: clinical testing. Allele origin: germline.
Comment: The GLDC c.2815G>A variant is predicted to result in the amino acid substitution p.Asp939Asn. To our knowledge, this variant has not been reported in the literature. This variant is reported in 0.0040% of alleles in individuals of African descent in gnomAD. At this time, the clinical significance of this variant is uncertain due to the absence of conclusive functional and genetic evidence.

Labcorp Genetics (formerly Invitae), Labcorp
Classification: Uncertain significance for Glycine encephalopathy. Last evaluated: 2022-07-21. Review status: criteria provided, single submitter. Criteria: Invitae Variant Classification Sherloc (09022015). Collection method: clinical testing. Allele origin: germline.
Comment: This sequence change replaces aspartic acid, which is acidic and polar, with asparagine, which is neutral and polar, at codon 939 of the GLDC protein (p.Asp939Asn). This variant is present in population databases (rs767772993, gnomAD 0.004%). This variant has not been reported in the literature in individuals affected with GLDC-related conditions. Algorithms developed to predict the effect of missense changes on protein structure and function are either unavailable or do not agree on the potential impact of this missense change (SIFT: "Tolerated"; PolyPhen-2: "Probably Damaging"; Align-GVGD: "Class C0"). In summary, the available evidence is currently insufficient to determine the role of this variant in disease. Therefore, it has been classified as a Variant of Uncertain Significance.